The following is an entry in ClinVar:

NM_002972.4(SBF1):c.5593A>G (p.Thr1865Ala)

Gene: SBF1 (SET binding factor 1; minus strand). Cytogenetic location: 22q13.33.
Variant type: single nucleotide variant.
Coding change: c.5593A>G on transcript NM_002972.4 (MANE Select); coding-DNA position 5593, A replaced by G.
Protein change: p.Thr1865Ala; replaces threonine 1865 with alanine.
Molecular consequence: missense variant.
Genome position (GRCh38, 1-based): chr22:50,447,231, T>C on the plus strand (A>G on the coding strand, the complement: SBF1 is on the minus strand). VCF-style: chr22-50447231-T-C. GRCh37 (hg19) VCF-style: chr22-50885660-T-C.
Other names: p.Thr1865Ala; c.5518A>G, p.Thr1840Ala (NM_001365819.1); c.5593A>G (NM_002972.2); short protein forms T1840A, T1865A.
Identifiers: ClinVar variation 1390386 (VCV001390386.6), dbSNP rs376846983, ClinGen allele CA10315757.

ClinVar aggregate classification (germline): Uncertain significance. Review status: criteria provided, multiple submitters, no conflicts (2 of 4 stars). 3 submissions from 3 submitters: Uncertain significance (3). Last evaluated 2025-10-17.

Allele frequency attached by ClinVar (database versions not stated): gnomAD 0.00008 and 0.00009; ESP Exome Variant Server 0.00016; ExAC 0.00006; gnomAD exomes 0.00006 and 0.00005; TOPMed 0.00009.
gnomAD v4.1: 82 of 1,613,818 alleles (0.0051%); highest among the groups gnomAD compares: Admixed American, 0.0067%; no homozygotes.

Submissions (3):

Mayo Clinic Laboratories, Mayo Clinic
Classification: Uncertain significance. Last evaluated: 2025-10-17. Review status: criteria provided, single submitter. Criteria: ACMG Guidelines, 2015. Collection method: clinical testing. Allele origin: germline. Observed: 1 variant allele.
Comment: BP4_moderate

Ambry Genetics
Classification: Uncertain significance. Last evaluated: 2025-07-16. Review status: criteria provided, single submitter. Criteria: Ambry Variant Classification Scheme 2023. Collection method: clinical testing. Allele origin: germline.

Labcorp Genetics (formerly Invitae), Labcorp
Classification: Uncertain significance. Last evaluated: 2022-06-14. Review status: criteria provided, single submitter. Criteria: Invitae Variant Classification Sherloc (09022015). Collection method: clinical testing. Allele origin: germline.
Comment: This sequence change replaces threonine, which is neutral and polar, with alanine, which is neutral and non-polar, at codon 1865 of the SBF1 protein (p.Thr1865Ala). This variant is present in population databases (rs376846983, gnomAD 0.01%). This variant has not been reported in the literature in individuals affected with SBF1-related conditions. Algorithms developed to predict the effect of missense changes on protein structure and function (SIFT, PolyPhen-2, Align-GVGD) all suggest that this variant is likely to be tolerated. In summary, the available evidence is currently insufficient to determine the role of this variant in disease. Therefore, it has been classified as a Variant of Uncertain Significance.